The following is an entry in ClinVar:

NM_001292063.2(OTOG):c.7159C>T (p.Pro2387Ser)

Gene: OTOG (otogelin; plus strand). Cytogenetic location: 11p15.1.
Variant type: single nucleotide variant.
Coding change: c.7159C>T on transcript NM_001292063.2 (MANE Select); coding-DNA position 7159, C replaced by T.
Protein change: p.Pro2387Ser; replaces proline 2387 with serine.
Molecular consequence: missense variant.
Genome position (GRCh38, 1-based): chr11:17,633,766, C>T. VCF-style: chr11-17633766-C-T. GRCh37 (hg19) VCF-style: chr11-17655313-C-T.
Other names: c.7195C>T, p.Pro2399Ser (NM_001277269.2); short protein forms P2399S, P2387S.
Identifiers: ClinVar variation 1483624 (VCV001483624.5), dbSNP rs780716158, ClinGen allele CA5906107.
Genomic context (GRCh38, chr11:17,633,766, plus strand): 5'-TACCAGGCATGTGTGACAGCCTGTGAGCCACCCAAGACATGCCAGGATGGGATACTAGGG[C>T]CTCTGGACCCAGAGCACTGCCAGGTGCTGGGCGAGGGCTGCGTCTGCTCCGAGGGCACCA-3'
Protein context (NP_001278992.1, residues 2377-2397): PKTCQDGILG[Pro2387Ser]LDPEHCQVLG

ClinVar aggregate classification (germline): Uncertain significance (1 of 4 stars; one submission).

Allele frequency attached by ClinVar (database versions not stated): gnomAD exomes 0.00003; ExAC 0.00007; gnomAD 0.00013 and 0.00014; TOPMed 0.00014.
gnomAD v4.1: 32 of 1,550,402 alleles (0.0021%); highest among the groups gnomAD compares: African/African-American, 0.036%; no homozygotes.

Submission:

Labcorp Genetics (formerly Invitae), Labcorp
Classification: Uncertain significance. Last evaluated: 2022-07-06. Review status: criteria provided, single submitter. Criteria: Invitae Variant Classification Sherloc (09022015). Collection method: clinical testing. Allele origin: germline.
Comment: This sequence change replaces proline, which is neutral and non-polar, with serine, which is neutral and polar, at codon 2399 of the OTOG protein (p.Pro2399Ser). This variant is present in population databases (rs780716158, gnomAD 0.03%). This variant has not been reported in the literature in individuals affected with OTOG-related conditions. ClinVar contains an entry for this variant (Variation ID: 1483624). Algorithms developed to predict the effect of missense changes on protein structure and function are either unavailable or do not agree on the potential impact of this missense change (SIFT: "Tolerated"; PolyPhen-2: "Probably Damaging"; Align-GVGD: "Class C0"). In summary, the available evidence is currently insufficient to determine the role of this variant in disease. Therefore, it has been classified as a Variant of Uncertain Significance.